The following is an entry in ClinVar:

NM_000540.3(RYR1):c.108G>A (p.Leu36=)

Gene: RYR1 (ryanodine receptor 1; plus strand). Cytogenetic location: 19q13.2.
Variant type: single nucleotide variant.
Coding change: c.108G>A on transcript NM_000540.3 (MANE Select); coding-DNA position 108, G replaced by A.
Protein change: p.Leu36=; no amino-acid change (leucine 36 retained).
Molecular consequence: synonymous variant.
Genome position (GRCh38, 1-based): chr19:38,440,807, G>A. VCF-style: chr19-38440807-G-A. GRCh37 (hg19) VCF-style: chr19-38931447-G-A.
Other names: c.108G>A, p.Leu36= (NM_001042723.2).
Identifiers: ClinVar variation 3387617 (VCV003387617.1).

ClinVar aggregate classification (germline): Likely benign (1 of 4 stars; one submission).

Conditions:
Malignant hyperthermia, susceptibility to, 1 (MHS1). Also called: Anesthesia related hyperthermia; Malignant hyperpyrexia; Fulminating hyperpyrexia; Pharmacogenic myopathy; RYR1-Related Malignant Hyperthermia Susceptibility; Malignant hyperthermia suceptibility 1. Identifiers: Orphanet 423, MedGen C2930980, MONDO:0007783, OMIM 145600.

Submission:

All of Us Research Program, National Institutes of Health
Classification: Likely benign for Malignant hyperthermia, susceptibility to, 1. Last evaluated: 2024-04-16. Review status: criteria provided, single submitter. Criteria: ACMG Guidelines, 2015. Collection method: clinical testing. Allele origin: germline. Inheritance: Autosomal dominant inheritance. Observed: 1 variant allele, 1 heterozygote.
Comment: This study involves interpretation of variants in research participants for the purpose of population health screening. Participant phenotype was not available at the time of variant classification. Additional details can be found in publication PMID: 35346344, PMCID: PMC8962531